The following is an entry in ClinVar:

NM_001330078.2(NRXN1):c.4173_4188delinsGTGTCCCTAA (p.Asp1391_Asp1396delinsGluCysProTer)

Gene: NRXN1 (neurexin 1; minus strand). Cytogenetic location: 2p16.3.
Variant type: Indel.
Coding change: c.4173_4188delinsGTGTCCCTAA on transcript NM_001330078.2 (MANE Select); coding-DNA positions 4173 to 4188, TGATGAGGACATTGAC replaced by GTGTCCCTAA.
Protein change: p.Asp1391_Asp1396delinsGluCysProTer.
Molecular consequence: nonsense.
Genome position (GRCh38, 1-based): chr2:49,943,732-49,943,747, GTCAATGTCCTCATCA replaced by TTAGGGACAC on the plus strand (TGATGAGGACATTGAC replaced by GTGTCCCTAA on the coding strand, the reverse complement: NRXN1 is on the minus strand). VCF-style: chr2-49943732-GTCAATGTCCTCATCA-TTAGGGACAC. GRCh37 (hg19) VCF-style: chr2-50170870-GTCAATGTCCTCATCA-TTAGGGACAC.
Other names: c.4293_4308delinsGTGTCCCTAA (NM_001135659.2); c.4293_4308delinsGTGTCCCTAA, p.Asp1431_Asp1436delinsGluCysProTer (NM_001135659.3); c.78_93delinsGTGTCCCTAA, p.Asp26_Asp31delinsGluCysProTer (NM_001320156.4, NM_001320157.4); c.4149_4164delinsGTGTCCCTAA, p.Asp1383_Asp1388delinsGluCysProTer (NM_001330077.2, NM_001330082.2); c.4017_4032delinsGTGTCCCTAA, p.Asp1339_Asp1344delinsGluCysProTer (NM_001330083.2); c.4107_4122delinsGTGTCCCTAA, p.Asp1369_Asp1374delinsGluCysProTer (NM_001330084.2); c.4146_4161delinsGTGTCCCTAA, p.Asp1382_Asp1387delinsGluCysProTer (NM_001330085.2); c.4173_4188delinsGTGTCCCTAA, p.Asp1391_Asp1396delinsGluCysProTer (NM_001330086.2); and 8 more.
Identifiers: ClinVar variation 503893 (VCV000503893.2), dbSNP rs1553400438, ClinGen allele CA658795791.

ClinVar aggregate classification (germline): Conflicting classifications of pathogenicity. Review status: criteria provided, conflicting classifications (1 of 4 stars). 2 submissions from 2 submitters: Likely pathogenic (1); Uncertain significance (1). Last evaluated 2023-09-11.

Submissions (2):

Women's Health and Genetics/Laboratory Corporation of America, LabCorp
Classification: Uncertain significance. Last evaluated: 2023-09-11. Review status: criteria provided, single submitter. Criteria: LabCorp Variant Classification Summary - May 2015. Collection method: clinical testing. Allele origin: germline.
Comment: Variant summary: NRXN1 c.4293_4308delins10 (p.Asp1431GlufsX4) results in a premature termination codon, predicted to cause a truncation of the encoded protein and may not undergo nonsense mediated decay. Variants downstream of this position have not been classified as pathogenic by our laboratory or in ClinVar. The variant was absent in 248094 control chromosomes (gnomAD). The available data on variant occurrences in the general population are insufficient to allow any conclusion about variant significance. To our knowledge, no occurrence of c.4293_4308delins10 in individuals affected with Pitt-Hopkins-Like Syndrome 2 and no experimental evidence demonstrating its impact on protein function have been reported. One submitter has cited clinical-significance assessments for this variant to ClinVar after 2014 and has classified the variant as likely pathogenic. Based on the evidence outlined above, the variant was classified as uncertain significance.

GeneDx
Classification: Likely pathogenic. Last evaluated: 2017-12-08. Review status: criteria provided, single submitter. Criteria: GeneDx Variant Classification (06012015). Collection method: clinical testing. Allele origin: germline. Affected: yes.
Comment: A variant that is likely pathogenic has been identified in the NRXN1 gene. The c.4293_4308del16ins10 variant has not been published as a pathogenic variant, nor has it beenreported as a benign variant to our knowledge. This variant is not observed in large population cohorts (Lek et al., 2016). The c.4293_4308del16ins10 variant causes a frameshift starting with codon Aspartic acid 1431, changes this amino acid to a Glutamic acid residue and creates a premature Stop codon at position 4 of the new reading frame, denoted p.Asp1431GlufsX4. This variant is predicted to cause loss of normal protein function through protein truncation, as the last 117 amino acids are replaced with 3 incorrect ones. Therefore, this variant is likely pathogenic; however, the possibility that it is benign cannot be excluded.